The following is an entry in ClinVar:

NM_003701.4(TNFSF11):c.353G>T (p.Arg118Ile)

Genes: TNFSF11 (TNF superfamily member 11; plus strand), LOC126861752 (BRD4-independent group 4 enhancer GRCh37_chr13:43155073-43156272; plus strand). Cytogenetic location: 13q14.11.
Variant type: single nucleotide variant.
Coding change: c.353G>T on transcript NM_003701.4 (MANE Select); coding-DNA position 353, G replaced by T.
Protein change: p.Arg118Ile; replaces arginine 118 with isoleucine.
Molecular consequence: missense variant.
Genome position (GRCh38, 1-based): chr13:42,581,259, G>T. VCF-style: chr13-42581259-G-T. GRCh37 (hg19) VCF-style: chr13-43155395-G-T.
Other names: c.134G>T, p.Arg45Ile (NM_033012.4); short protein forms R118I, R45I.
Identifiers: ClinVar variation 1465276 (VCV001465276.5), dbSNP rs200887697, ClinGen allele CA6967186.

ClinVar aggregate classification (germline): Uncertain significance (1 of 4 stars; one submission).

Allele frequency attached by ClinVar (database versions not stated): gnomAD exomes below 0.00001 and 0.00001; TOPMed below 0.00001; gnomAD 0.00001; ExAC 0.00002; ESP Exome Variant Server 0.00008.
gnomAD v4.1: 7 of 1,613,982 alleles (0.00043%); highest among the groups gnomAD compares: Admixed American, 0.005%; no homozygotes.

Submission:

Labcorp Genetics (formerly Invitae), Labcorp
Classification: Uncertain significance. Last evaluated: 2021-08-31. Review status: criteria provided, single submitter. Criteria: Invitae Variant Classification Sherloc (09022015). Collection method: clinical testing. Allele origin: germline.
Comment: This sequence change replaces arginine with isoleucine at codon 118 of the TNFSF11 protein (p.Arg118Ile). The arginine residue is moderately conserved and there is a moderate physicochemical difference between arginine and isoleucine. This variant is present in population databases (rs200887697, ExAC 0.01%). This variant has not been reported in the literature in individuals affected with TNFSF11-related conditions. Algorithms developed to predict the effect of missense changes on protein structure and function (SIFT, PolyPhen-2, Align-GVGD) all suggest that this variant is likely to be tolerated. In summary, the available evidence is currently insufficient to determine the role of this variant in disease. Therefore, it has been classified as a Variant of Uncertain Significance.